The following is an entry in ClinVar:

ClinVar aggregate classification (germline): Uncertain significance. Review status: criteria provided, multiple submitters, no conflicts (2 of 4 stars). 2 submissions from 2 submitters: Uncertain significance (2). Last evaluated 2023-07-14.

Allele frequency attached by ClinVar (database versions not stated): gnomAD 0.00001; ExAC 0.00002; TOPMed 0.00003; gnomAD exomes 0.00006.
gnomAD v4.1: 98 of 1,613,880 alleles (0.0061%); highest among the groups gnomAD compares: Non-Finnish European, 0.0078%; 1 homozygote.

Submissions (2):

Blueprint Genetics
Classification: Uncertain significance. Last evaluated: 2023-07-14. Review status: criteria provided, single submitter. Criteria: ACMG Guidelines, 2015. Collection method: clinical testing. Allele origin: germline.

Labcorp Genetics (formerly Invitae), Labcorp
Classification: Uncertain significance. Last evaluated: 2022-07-23. Review status: criteria provided, single submitter. Criteria: Invitae Variant Classification Sherloc (09022015). Collection method: clinical testing. Allele origin: germline.
Comment: This sequence change replaces serine, which is neutral and polar, with proline, which is neutral and non-polar, at codon 2149 of the GPR179 protein (p.Ser2149Pro). This variant is present in population databases (rs767461028, gnomAD 0.004%). This variant has not been reported in the literature in individuals affected with GPR179-related conditions. Algorithms developed to predict the effect of missense changes on protein structure and function output the following: SIFT: "Deleterious"; PolyPhen-2: "Benign"; Align-GVGD: "Class C0". The proline amino acid residue is found in multiple mammalian species, which suggests that this missense change does not adversely affect protein function. In summary, the available evidence is currently insufficient to determine the role of this variant in disease. Therefore, it has been classified as a Variant of Uncertain Significance.

NM_001004334.4(GPR179):c.6445T>C (p.Ser2149Pro)

Gene: GPR179 (G protein-coupled receptor 179; minus strand). Cytogenetic location: 17q12.
Variant type: single nucleotide variant.
Coding change: c.6445T>C on transcript NM_001004334.4 (MANE Select); coding-DNA position 6445, T replaced by C.
Protein change: p.Ser2149Pro; replaces serine 2149 with proline.
Molecular consequence: missense variant.
Genome position (GRCh38, 1-based): chr17:38,327,124, A>G on the plus strand (T>C on the coding strand, the complement: GPR179 is on the minus strand). VCF-style: chr17-38327124-A-G. GRCh37 (hg19) VCF-style: chr17-36483007-A-G.
Other names: short protein forms S2149P.
Identifiers: ClinVar variation 1959408 (VCV001959408.3), dbSNP rs767461028, ClinGen allele CA290102937.